The following is an entry in ClinVar:

ClinVar aggregate classification (germline): Pathogenic (1 of 4 stars; one submission).

Conditions:
Nephronophthisis. Also called: Juvenile Nephronophthisis. Identifiers: Orphanet 655, MedGen C0687120, MONDO:0019005, HP:0000090.
Meckel-Gruber syndrome. Also called: DYSENCEPHALIA SPLANCHNOCYSTICA; GRUBER SYNDROME; Dysencephalia splachnocystica. Identifiers: Orphanet 564, MedGen C0265215, MONDO:0018921.
Joubert syndrome. Also called: CEREBELLOPARENCHYMAL DISORDER IV; JOUBERT-BOLTSHAUSER SYNDROME; Familial aplasia of the vermis. Identifiers: Orphanet 475, MedGen C5979921, MONDO:0018772.

Submission:

Labcorp Genetics (formerly Invitae), Labcorp
Classification: Pathogenic for Joubert syndrome; Meckel-Gruber syndrome; Nephronophthisis. Last evaluated: 2023-08-24. Review status: criteria provided, single submitter. Criteria: Invitae Variant Classification Sherloc (09022015). Collection method: clinical testing. Allele origin: germline.
Comment: For these reasons, this variant has been classified as Pathogenic. ClinVar contains an entry for this variant (Variation ID: 1904180). This variant has not been reported in the literature in individuals affected with CEP290-related conditions. This variant is not present in population databases (gnomAD no frequency). This sequence change creates a premature translational stop signal (p.Ser196*) in the CEP290 gene. It is expected to result in an absent or disrupted protein product. Loss-of-function variants in CEP290 are known to be pathogenic (PMID: 16909394, 17345604, 20690115).

Literature cited by the submitters: PubMed 16909394; PubMed 17345604; PubMed 20690115.

NM_025114.4(CEP290):c.587C>G (p.Ser196Ter)

Gene: CEP290 (centrosomal protein 290; minus strand). Cytogenetic location: 12q21.32.
Variant type: single nucleotide variant.
Coding change: c.587C>G on transcript NM_025114.4 (MANE Select); coding-DNA position 587, C replaced by G.
Protein change: p.Ser196Ter; replaces serine 196 with a stop codon.
Molecular consequence: nonsense.
Genome position (GRCh38, 1-based): chr12:88,130,350, G>C on the plus strand (C>G on the coding strand, the complement: CEP290 is on the minus strand). VCF-style: chr12-88130350-G-C. GRCh37 (hg19) VCF-style: chr12-88524127-G-C.
Other names: short protein forms S196*.
Identifiers: ClinVar variation 1904180 (VCV001904180.5), dbSNP rs2039989513, ClinGen allele CA385986339.
Genomic context (GRCh38, chr12:88,130,350, plus strand): 5'-ATAAGCTCATAGTTTTTTTTAGACAACTGTGATCGGTAGTCACTGTCTTCCCCTCTTCTT[G>C]ATAAAAGTGTTTCTTTCTGTGAATCTATTTGTTTCTGGTAGTCAATAATATCCTGACAAA-3'